The following is an entry in ClinVar:

NM_017636.4(TRPM4):c.1832G>A (p.Arg611Gln)

Gene: TRPM4 (transient receptor potential cation channel subfamily M member 4; plus strand). Cytogenetic location: 19q13.33.
Variant type: single nucleotide variant.
Coding change: c.1832G>A on transcript NM_017636.4 (MANE Select); coding-DNA position 1832, G replaced by A.
Protein change: p.Arg611Gln; replaces arginine 611 with glutamine.
Molecular consequence: missense variant.
Genome position (GRCh38, 1-based): chr19:49,188,729, G>A. VCF-style: chr19-49188729-G-A. GRCh37 (hg19) VCF-style: chr19-49691986-G-A.
Other names: c.1832G>A, p.Arg611Gln (NM_001195227.2); c.1487G>A, p.Arg496Gln (NM_001321281.2); c.224G>A, p.Arg75Gln (NM_001321282.2); c.1310G>A, p.Arg437Gln (NM_001321283.2); c.770G>A, p.Arg257Gln (NM_001321285.2); c.1832G>A (NM_017636.3); short protein forms R437Q, R496Q, R611Q, R257Q, R75Q.
Identifiers: ClinVar variation 1982519 (VCV001982519.5), dbSNP rs761147821, ClinGen allele CA406803127.
Genomic context (GRCh38, chr19:49,188,729, plus strand): 5'-GGGCCTGTTTGCTGCTCCGGGTGATGGCACGCCTGGAGCCTGACGCTGAGGAGGCAGCAC[G>A]GAGGAAAGACCTGGCGTTCAAGTTTGAGGGGATGGGCGTTGGTGCGTGGGGCACGGTGCC-3'
Protein context (NP_060106.2, residues 601-621): RLEPDAEEAA[Arg611Gln]RKDLAFKFEG

ClinVar aggregate classification (germline): Uncertain significance. Review status: criteria provided, multiple submitters, no conflicts (2 of 4 stars). 2 submissions from 2 submitters: Uncertain significance (2). Last evaluated 2026-07-21.

Conditions:
Progressive familial heart block type IB (PFHB1B). Identifiers: Orphanet 871, MedGen C1970298, MONDO:0011474, OMIM 604559.
Cardiovascular phenotype. Identifiers: MedGen CN230736.

Allele frequency attached by ClinVar (database versions not stated): gnomAD 0.00001; gnomAD exomes below 0.00001; TOPMed below 0.00001.
gnomAD v4.1: 2 of 1,614,122 alleles (0.00012%); highest among the groups gnomAD compares: East Asian, 0.0022%; no homozygotes.

Submissions (2):

Ambry Genetics
Classification: Uncertain significance for Cardiovascular phenotype. Last evaluated: 2026-07-21. Review status: criteria provided, single submitter. Criteria: Ambry Variant Classification Scheme 2023. Collection method: clinical testing. Allele origin: germline.
Comment: The p.R611Q variant (also known as c.1832G>A), located in coding exon 13 of the TRPM4 gene, results from a G to A substitution at nucleotide position 1832. The arginine at codon 611 is replaced by glutamine, an amino acid with highly similar properties. This amino acid position is conserved. In addition, this alteration is predicted to be tolerated by in silico analysis. Based on the available evidence, the clinical significance of this variant remains unclear.

Labcorp Genetics (formerly Invitae), Labcorp
Classification: Uncertain significance for Progressive familial heart block type IB. Last evaluated: 2024-07-23. Review status: criteria provided, single submitter. Criteria: Invitae Variant Classification Sherloc (09022015). Collection method: clinical testing. Allele origin: germline.
Comment: This sequence change replaces arginine, which is basic and polar, with glutamine, which is neutral and polar, at codon 611 of the TRPM4 protein (p.Arg611Gln). This variant is not present in population databases (gnomAD no frequency). This variant has not been reported in the literature in individuals affected with TRPM4-related conditions. ClinVar contains an entry for this variant (Variation ID: 1982519). An algorithm developed to predict the effect of missense changes on protein structure and function (PolyPhen-2) suggests that this variant is likely to be disruptive. In summary, the available evidence is currently insufficient to determine the role of this variant in disease. Therefore, it has been classified as a Variant of Uncertain Significance.